The following is an entry in ClinVar:

NM_000255.4(MMUT):c.1892C>T (p.Ala631Val)

Gene: MMUT (methylmalonyl-CoA mutase; minus strand). Cytogenetic location: 6p12.3.
Variant type: single nucleotide variant.
Coding change: c.1892C>T on transcript NM_000255.4 (MANE Select); coding-DNA position 1892, C replaced by T.
Protein change: p.Ala631Val; replaces alanine 631 with valine.
Molecular consequence: missense variant.
Genome position (GRCh38, 1-based): chr6:49,440,270, G>A on the plus strand (C>T on the coding strand, the complement: MMUT is on the minus strand). VCF-style: chr6-49440270-G-A. GRCh37 (hg19) VCF-style: chr6-49407983-G-A.
Other names: short protein forms A631V.
Identifiers: ClinVar variation 2163680 (VCV002163680.1), dbSNP rs2481310727, ClinGen allele CA364395113.

ClinVar aggregate classification (germline): Uncertain significance (1 of 4 stars; one submission).

Submission:

Labcorp Genetics (formerly Invitae), Labcorp
Classification: Uncertain significance. Last evaluated: 2022-03-12. Review status: criteria provided, single submitter. Criteria: Invitae Variant Classification Sherloc (09022015). Collection method: clinical testing. Allele origin: germline.
Comment: This sequence change replaces alanine, which is neutral and non-polar, with valine, which is neutral and non-polar, at codon 631 of the MUT protein (p.Ala631Val). This variant is not present in population databases (gnomAD no frequency). This variant has not been reported in the literature in individuals affected with MUT-related conditions. Algorithms developed to predict the effect of missense changes on protein structure and function (SIFT, PolyPhen-2, Align-GVGD) all suggest that this variant is likely to be disruptive. In summary, the available evidence is currently insufficient to determine the role of this variant in disease. Therefore, it has been classified as a Variant of Uncertain Significance.